The following is an entry in ClinVar:

NM_004928.3(CFAP410):c.662TGC[5] (p.Leu224dup)

Gene: CFAP410 (cilia and flagella associated protein 410; minus strand). Cytogenetic location: 21q22.3.
Variant type: Microsatellite.
Coding change: c.662TGC[5] on transcript NM_004928.3 (MANE Select); five copies in a row of the 3-base unit TGC starting at c.662; the reference has four copies in a row; one copy, 3 bases duplicated.
Protein change: p.Leu224dup; duplicates leucine 224.
Molecular consequence: inframe insertion.
Genome position (GRCh38, 1-based): chr21:44,330,296-44,330,298, GCA duplicated on the plus strand (TGC on the coding strand, the reverse complement: CFAP410 is on the minus strand); duplicating any 3 consecutive bases within chr21:44,330,296-44,330,308 gives the same sequence; the position shown is the placement nearest the transcript's 3' end. VCF-style (leftmost placement, unchanged base first): chr21-44330295-C-CGCA. GRCh37 (hg19) VCF-style: chr21-45750178-C-CGCA.
Other names: c.659TGC[5], p.Leu223dup (NM_001271440.2); c.1019TGC[5], p.Leu343dup (NM_001271441.2); c.536TGC[5], p.Leu182dup (NM_001271442.1); c.671_673dupTGC (NM_004928.2).
Identifiers: ClinVar variation 1539833 (VCV001539833.10), dbSNP rs767848858, ClinGen allele CA10053490.
Genomic context (GRCh38, chr21:44,330,295, plus strand): 5'-GCCTGCAGCCGGCTGCCCACAGTCTGCTGCACGGCCTCCAGCCCCTCTGCATCCAGCTCC[C>CGCA]GCAGCAGCAGCAGGATGGCAGTCAGGACGTTCTGAGGGCAGAGGGGTGCGGACTAAGCCC-3'

ClinVar aggregate classification (germline): Conflicting classifications of pathogenicity. Review status: criteria provided, conflicting classifications (1 of 4 stars). 3 submissions from 3 submitters: Likely pathogenic (1); Likely benign (2). Last evaluated 2026-04-02.

Conditions:
C21ORF2 & CFAP410-related disorders.
CFAP410-related disorder. Also called: CFAP410-related condition.

Submissions (3):

PreventionGenetics, part of Exact Sciences
Classification: Likely benign for CFAP410-related condition. Last evaluated: 2026-04-02. Review status: criteria provided, single submitter. Criteria: ACMG Guidelines, 2015. Collection method: clinical testing. Allele origin: germline.
Comment: This variant is classified as likely benign based on ACMG/AMP sequence variant interpretation guidelines (Richards et al. 2015 PMID: 25741868, with internal and published modifications).

Labcorp Genetics (formerly Invitae), Labcorp
Classification: Likely benign. Last evaluated: 2026-01-01. Review status: criteria provided, single submitter. Criteria: Invitae Variant Classification Sherloc (09022015). Collection method: clinical testing. Allele origin: germline.

Blueprint Genetics
Classification: Likely pathogenic for C21ORF2 & CFAP410-related disorders. Last evaluated: 2024-08-29. Review status: criteria provided, single submitter. Criteria: ACMG Guidelines, 2015. Collection method: clinical testing. Allele origin: germline. Affected: yes. Observed: 5 variant alleles.